The following is an entry in ClinVar:

ClinVar aggregate classification (germline): Uncertain significance (1 of 4 stars; one submission).

Conditions:
Intellectual developmental disorder, autosomal dominant 29. Also called: Intellectual disability, autosomal dominant 29; SETBP1 Haploinsufficiency Disorder. Identifiers: Orphanet 436151, MedGen C4015141, MONDO:0014482, OMIM 616078.
Schinzel-Giedion syndrome (SGS). Identifiers: Orphanet 798, MedGen C0265227, MONDO:0010010, OMIM 269150.

Submission:

Neuberg Centre For Genomic Medicine, NCGM
Classification: Uncertain significance for Intellectual developmental disorder, autosomal dominant 29; Schinzel-Giedion syndrome. Review status: criteria provided, single submitter. Criteria: ACMG Guidelines, 2015. Collection method: clinical testing. Allele origin: germline. Affected: yes.
Comment: The missense variant p.R1008G in SETBP1 (NM_015559.3) has not been reported previously as a pathogenic variant nor as a benign variant, to our knowledge. The p.R1008G variant is novel (not in any individuals) in gnomAD Exomes and is novel (not in any individuals) in 1000 Genomes. There is a moderate physicochemical difference between arginine and glycine. The p.R1008G missense variant is predicted to be damaging by both SIFT and PolyPhen2. The arginine residue at codon 1008 of SETBP1 is conserved in all mammalian species. The nucleotide c.3022 in SETBP1 is predicted conserved by GERP++ and PhyloP across 100 vertebrates. For these reasons, this variant has been classified as Uncertain Significance.

NM_015559.3(SETBP1):c.3022C>G (p.Arg1008Gly)

Gene: SETBP1 (SET binding protein 1; plus strand). Cytogenetic location: 18q12.3.
Variant type: single nucleotide variant.
Coding change: c.3022C>G on transcript NM_015559.3 (MANE Select); coding-DNA position 3022, C replaced by G.
Protein change: p.Arg1008Gly; replaces arginine 1008 with glycine.
Molecular consequence: missense variant.
Genome position (GRCh38, 1-based): chr18:44,952,362, C>G. VCF-style: chr18-44952362-C-G. GRCh37 (hg19) VCF-style: chr18-42532327-C-G.
Other names: c.3022C>G, p.Arg1008Gly (NM_001379141.1, NM_001379142.1); short protein forms R1008G.
Identifiers: ClinVar variation 1339247 (VCV001339247.2), dbSNP rs776187085, ClinGen allele CA402322992.